The following is an entry in ClinVar:

ClinVar aggregate classification (germline): Uncertain significance (1 of 4 stars; one submission).

Submission:

Labcorp Genetics (formerly Invitae), Labcorp
Classification: Uncertain significance. Last evaluated: 2022-05-18. Review status: criteria provided, single submitter. Criteria: Invitae Variant Classification Sherloc (09022015). Collection method: clinical testing. Allele origin: germline.
Comment: In summary, the available evidence is currently insufficient to determine the role of this variant in disease. Therefore, it has been classified as a Variant of Uncertain Significance. Algorithms developed to predict the effect of missense changes on protein structure and function are either unavailable or do not agree on the potential impact of this missense change (SIFT: "Tolerated"; PolyPhen-2: "Possibly Damaging"; Align-GVGD: "Class C0"). This variant has not been reported in the literature in individuals affected with CNGB3-related conditions. This variant is not present in population databases (gnomAD no frequency). This sequence change replaces serine, which is neutral and polar, with arginine, which is basic and polar, at codon 113 of the CNGB3 protein (p.Ser113Arg).

NM_019098.5(CNGB3):c.339C>A (p.Ser113Arg)

Gene: CNGB3 (cyclic nucleotide gated channel subunit beta 3; minus strand). Cytogenetic location: 8q21.3.
Variant type: single nucleotide variant.
Coding change: c.339C>A on transcript NM_019098.5 (MANE Select); coding-DNA position 339, C replaced by A.
Protein change: p.Ser113Arg; replaces serine 113 with arginine.
Molecular consequence: missense variant.
Genome position (GRCh38, 1-based): chr8:86,671,098, G>T on the plus strand (C>A on the coding strand, the complement: CNGB3 is on the minus strand). VCF-style: chr8-86671098-G-T. GRCh37 (hg19) VCF-style: chr8-87683326-G-T.
Other names: short protein forms S113R.
Identifiers: ClinVar variation 1995897 (VCV001995897.4), dbSNP rs2538129892, ClinGen allele CA371450355.